The following is an entry in ClinVar:

ClinVar aggregate classification (germline): Uncertain significance. Review status: criteria provided, multiple submitters, no conflicts (2 of 4 stars). 2 submissions from 2 submitters: Uncertain significance (2). Last evaluated 2025-09-05.

Conditions:
Hereditary cancer-predisposing syndrome. Also called: Hereditary neoplastic syndrome; Neoplastic Syndromes, Hereditary; Hereditary Cancer Syndrome; Tumor predisposition. Identifiers: Orphanet 140162, MedGen C0027672, MeSH D009386, MONDO:0015356.
Familial cancer of breast. Also called: Hereditary breast cancer; hereditary breast carcinoma; BREAST CANCER, FAMILIAL. Identifiers: Orphanet 227535, MedGen C0346153, MONDO:0016419, OMIM 114480. Disease mechanism: loss of function.

Submissions (2):

Ambry Genetics
Classification: Uncertain significance for Hereditary cancer-predisposing syndrome. Last evaluated: 2025-09-05. Review status: criteria provided, single submitter. Criteria: Ambry Variant Classification Scheme 2023. Collection method: clinical testing. Allele origin: germline.
Comment: The p.H143L variant (also known as c.428A>T), located in coding exon 2 of the CHEK2 gene, results from an A to T substitution at nucleotide position 428. The histidine at codon 143 is replaced by leucine, an amino acid with similar properties. This amino acid position is highly conserved in available vertebrate species. In addition, this alteration is predicted to be deleterious by in silico analysis. Based on the available evidence, the clinical significance of this variant remains unclear.

Labcorp Genetics (formerly Invitae), Labcorp
Classification: Uncertain significance for Familial cancer of breast. Last evaluated: 2018-07-24. Review status: criteria provided, single submitter. Criteria: Invitae Variant Classification Sherloc (09022015). Collection method: clinical testing. Allele origin: germline.
Comment: In summary, the available evidence is currently insufficient to determine the role of this variant in disease. Therefore, it has been classified as a Variant of Uncertain Significance. Algorithms developed to predict the effect of missense changes on protein structure and function (SIFT, PolyPhen-2, Align-GVGD) all suggest that this variant is likely to be disruptive, but these predictions have not been confirmed by published functional studies and their clinical significance is uncertain. This variant has not been reported in the literature in individuals with CHEK2-related disease. This variant is not present in population databases (ExAC no frequency). This sequence change replaces histidine with leucine at codon 143 of the CHEK2 protein (p.His143Leu). The histidine residue is highly conserved and there is a moderate physicochemical difference between histidine and leucine.

NM_007194.4(CHEK2):c.428A>T (p.His143Leu)

Gene: CHEK2 (checkpoint kinase 2; minus strand). Cytogenetic location: 22q12.1.
Variant type: single nucleotide variant.
Coding change: c.428A>T on transcript NM_007194.4 (MANE Select); coding-DNA position 428, A replaced by T.
Protein change: p.His143Leu; replaces histidine 143 with leucine.
Molecular consequence: missense variant.
Genome position (GRCh38, 1-based): chr22:28,725,259, T>A on the plus strand (A>T on the coding strand, the complement: CHEK2 is on the minus strand). VCF-style: chr22-28725259-T-A. GRCh37 (hg19) VCF-style: chr22-29121247-T-A.
Other names: c.557A>T, p.His186Leu (NM_001005735.3); c.-350A>T (NM_001257387.3); c.428A>T, p.His143Leu (NM_001349956.3, NM_145862.3); short protein forms H143L, H186L.
Identifiers: ClinVar variation 659027 (VCV000659027.10), dbSNP rs587782300, ClinGen allele CA411107915.